The following is an entry in ClinVar:

NM_005045.4(RELN):c.3680T>C (p.Ile1227Thr)

Gene: RELN (reelin; minus strand). Cytogenetic location: 7q22.1.
Variant type: single nucleotide variant.
Coding change: c.3680T>C on transcript NM_005045.4 (MANE Select); coding-DNA position 3680, T replaced by C.
Protein change: p.Ile1227Thr; replaces isoleucine 1227 with threonine.
Molecular consequence: missense variant.
Genome position (GRCh38, 1-based): chr7:103,594,352, A>G on the plus strand (T>C on the coding strand, the complement: RELN is on the minus strand). VCF-style: chr7-103594352-A-G. GRCh37 (hg19) VCF-style: chr7-103234799-A-G.
Other names: c.3680T>C, p.Ile1227Thr (NM_173054.3); short protein forms I1227T.
Identifiers: ClinVar variation 646215 (VCV000646215.8), dbSNP rs1584326923, ClinGen allele CA368758341.

ClinVar aggregate classification (germline): Uncertain significance (1 of 4 stars; one submission).

Conditions:
Familial temporal lobe epilepsy 7. Identifiers: Orphanet 101046, MedGen C4225327, MONDO:0014639, OMIM 616436.
Norman-Roberts syndrome (LIS2). Also called: Lissencephaly 2 (Norman-Roberts type). Identifiers: Orphanet 89844, MedGen C0796089, MONDO:0009760, OMIM 257320.

Submission:

Labcorp Genetics (formerly Invitae), Labcorp
Classification: Uncertain significance for Familial temporal lobe epilepsy 7; Norman-Roberts syndrome. Last evaluated: 2018-11-24. Review status: criteria provided, single submitter. Criteria: Invitae Variant Classification Sherloc (09022015). Collection method: clinical testing. Allele origin: germline.
Comment: In summary, the available evidence is currently insufficient to determine the role of this variant in disease. Therefore, it has been classified as a Variant of Uncertain Significance. Algorithms developed to predict the effect of missense changes on protein structure and function are either unavailable or do not agree on the potential impact of this missense change (SIFT: "Deleterious"; PolyPhen-2: "Benign"; Align-GVGD: "Class C0"). This variant has not been reported in the literature in individuals with RELN-related conditions. This variant is not present in population databases (ExAC no frequency). This sequence change replaces isoleucine with threonine at codon 1227 of the RELN protein (p.Ile1227Thr). The isoleucine residue is moderately conserved and there is a moderate physicochemical difference between isoleucine and threonine.